The following is an entry in ClinVar:

NM_001042492.3(NF1):c.2160del (p.Cys721fs)

Gene: NF1 (neurofibromin 1; plus strand). Cytogenetic location: 17q11.2.
Variant type: Deletion.
Coding change: c.2160del on transcript NM_001042492.3 (MANE Select); coding-DNA position 2160, one base deleted (G; older notation c.2160delG).
Protein change: p.Cys721fs; shifts the reading frame from cysteine 721.
Molecular consequence: frameshift variant.
Genome position (GRCh38, 1-based): chr17:31,226,593, G deleted; the last of 2 consecutive G bases (chr17:31,226,592-31,226,593); deleting either gives the same sequence. VCF-style (leftmost placement, unchanged base first): chr17-31226591-CG-C. GRCh37 (hg19) VCF-style: chr17-29553609-CG-C.
Other names: c.2160delG, p.Cys721Valfs (NM_000267.4); short protein forms C721fs.
Identifiers: ClinVar variation 3644739 (VCV003644739.3).

ClinVar aggregate classification (germline): Pathogenic (1 of 4 stars; one submission).
ClinVar aggregate classification (oncogenicity): Likely oncogenic (0 of 4 stars; one submission).

Conditions:
Neurofibromatosis, type 1 (NF1). Also called: Peripheral type neurofibromatosis; VON RECKLINGHAUSEN DISEASE; Neurofibromatosis, type I; NEUROFIBROMATOSIS, TYPE I, SOMATIC. Identifiers: Orphanet 636, MedGen C0027831, MONDO:0018975, OMIM 162200. Disease mechanism: loss of function.
Lynch syndrome. Identifiers: Orphanet 144, MedGen C4552100, MONDO:0005835. Disease mechanism: loss of function.

Submissions (2):

Labcorp Genetics (formerly Invitae), Labcorp
Classification: Pathogenic for Neurofibromatosis, type 1. Last evaluated: 2024-03-06. Review status: criteria provided, single submitter. Criteria: Invitae Variant Classification Sherloc (09022015). Collection method: clinical testing. Allele origin: germline.
Comment: This sequence change creates a premature translational stop signal (p.Cys721Valfs*27) in the NF1 gene. It is expected to result in an absent or disrupted protein product. Loss-of-function variants in NF1 are known to be pathogenic (PMID: 10712197, 23913538). This variant is not present in population databases (gnomAD no frequency). This variant has not been reported in the literature in individuals affected with NF1-related conditions. Algorithms developed to predict the effect of sequence changes on RNA splicing suggest that this variant may disrupt the consensus splice site. For these reasons, this variant has been classified as Pathogenic.

CHARM Consortium
Classification: Likely oncogenic for Lynch syndrome. Last evaluated: 2025-05-20. Review status: no assertion criteria provided. Collection method: clinical testing. Allele origin: somatic. Affected: yes.
Comment: Analysis identified a somatic mutation in a microsatellite region within the NF1 gene (c.2160del; p.Cys721Valfs*27), at a peak variant allele fraction of 5%, with a second somatic CDH1 mutation (c.1843A>C; p.Ile615Leufs*16) at a variant allele fraction of 1%.

Literature cited by the submitters: PubMed 10712197 (cited by Labcorp Genetics (formerly Invitae), Labcorp); PubMed 23913538 (cited by Labcorp Genetics (formerly Invitae), Labcorp).